The following is an entry in ClinVar:

NM_182760.4(SUMF1):c.951C>G (p.Asn317Lys)

Gene: SUMF1 (sulfatase modifying factor 1; minus strand). Cytogenetic location: 3p26.1.
Variant type: single nucleotide variant.
Coding change: c.951C>G on transcript NM_182760.4 (MANE Select); coding-DNA position 951, C replaced by G.
Protein change: p.Asn317Lys; replaces asparagine 317 with lysine.
Molecular consequence: missense variant.
Genome position (GRCh38, 1-based): chr3:4,410,868, G>C on the plus strand (C>G on the coding strand, the complement: SUMF1 is on the minus strand). VCF-style: chr3-4410868-G-C. GRCh37 (hg19) VCF-style: chr3-4452552-G-C.
Other names: c.876C>G, p.Asn292Lys (NM_001164674.2); c.951C>G, p.Asn317Lys (NM_001164675.2); short protein forms N292K, N317K.
Identifiers: ClinVar variation 1448569 (VCV001448569.8), dbSNP rs375843895, ClinGen allele CA68797235.
Genomic context (GRCh38, chr3:4,410,868, plus strand): 5'-CTGCCCAGAGGACAGATGCCACCATTCCAAGACACATGCTCTGTGAATAATACTCACTGG[G>C]TTAAGCGTTTCTTCAACAGAATGATGAACAGTCCACCAGTCTGAAGTCCATTCCCATGCG-3'
Protein context (NP_877437.2, residues 307-327): TVHHSVEETL[Asn317Lys]PKGPPSGKDR

ClinVar aggregate classification (germline): Uncertain significance (1 of 4 stars; one submission).

Conditions:
Multiple sulfatase deficiency (MSD). Also called: Mucosulfatidosis; Multiple Sulfatase Deficiency Disease; Sulfatidosis, Juvenile, Austin Type. Identifiers: Orphanet 585, MedGen C0268263, MONDO:0010088, OMIM 272200.

Submission:

Labcorp Genetics (formerly Invitae), Labcorp
Classification: Uncertain significance for Multiple sulfatase deficiency. Last evaluated: 2022-12-06. Review status: criteria provided, single submitter. Criteria: Invitae Variant Classification Sherloc (09022015). Collection method: clinical testing. Allele origin: germline.
Comment: This sequence change replaces asparagine, which is neutral and polar, with lysine, which is basic and polar, at codon 317 of the SUMF1 protein (p.Asn317Lys). The frequency data for this variant in the population databases is considered unreliable, as metrics indicate poor data quality at this position in the gnomAD database. This variant has not been reported in the literature in individuals affected with SUMF1-related conditions. ClinVar contains an entry for this variant (Variation ID: 1448569). Algorithms developed to predict the effect of missense changes on protein structure and function (SIFT, PolyPhen-2, Align-GVGD) all suggest that this variant is likely to be disruptive. In summary, the available evidence is currently insufficient to determine the role of this variant in disease. Therefore, it has been classified as a Variant of Uncertain Significance.